The following is an entry in ClinVar:

NM_007294.4(BRCA1):c.81-1202T>A

Gene: BRCA1 (BRCA1 DNA repair associated; minus strand). Cytogenetic location: 17q21.31.
Variant type: single nucleotide variant.
Coding change: c.81-1202T>A on transcript NM_007294.4 (MANE Select); 1202 bases into the intron before coding-DNA position 81, T replaced by A.
Molecular consequence: intron variant.
Genome position (GRCh38, 1-based): chr17:43,116,981, A>T on the plus strand (T>A on the coding strand, the complement: BRCA1 is on the minus strand). VCF-style: chr17-43116981-A-T. GRCh37 (hg19) VCF-style: chr17-41268998-A-T.
Other names: IVS 2-1202T>A; c.-108-1202T>A (NM_001408481.1, NM_001408480.1, NM_001407909.1 and 52 more transcripts); c.81-1202T>A (NM_001408408.1, NM_001407647.1, NM_001408446.1 and 191 more transcripts); c.-224-1202T>A (NM_001408492.1, NM_001407889.1, NM_001407900.1); c.-177-1202T>A (NM_001408468.1, NM_001407842.1, NM_001407749.1 and 13 more transcripts); c.-181-1202T>A (NM_001407695.1, NM_001408465.1); c.-61-1202T>A (NM_001407846.1, NM_001408503.1, NM_001407943.1 and 47 more transcripts); c.-8+4577T>A (NM_001407726.1, NM_001407751.1); and 12 more.
Identifiers: ClinVar variation 209541 (VCV000209541.2), dbSNP rs148120486, ClinGen allele CA276510.
Genomic context (GRCh38, chr17:43,116,981, plus strand): 5'-TTGCTGATTGTATAACCCTATGGTGAGGTTTAACTTGTTCCTCTAGCCTTATTTCCTATA[A>T]ACTAGACTTACAGGCTTAATCATTCAGGTTCAACTTTCTGGCAAGAACACTTTACAGATG-3'

ClinVar aggregate classification (germline): Benign (3 of 4 stars; one submission).

Conditions:
Breast-ovarian cancer, familial, susceptibility to, 1 (BROVCA1). Also called: BRCA1 Hereditary Breast and Ovarian Cancer; OVARIAN CANCER, SUSCEPTIBILITY TO. Identifiers: Orphanet 145, MedGen C2676676, MONDO:0011450, OMIM 604370. Disease mechanism: loss of function.

Allele frequency attached by ClinVar (database versions not stated): 1000 Genomes Project 30x 0.00250; gnomAD 0.00272 and 0.00297; 1000 Genomes Project 0.00300; TOPMed 0.00309.
gnomAD v4.1: 410 of 152,264 alleles (0.27%); highest among the groups gnomAD compares: African/African-American, 0.92%; 1 homozygote.

Submission:

Evidence-based Network for the Interpretation of Germline Mutant Alleles (ENIGMA)
Classification: Benign for Breast-ovarian cancer, familial 1. Last evaluated: 2015-01-12. Review status: reviewed by expert panel. Criteria: ENIGMA BRCA1/2 Classification Criteria (2015). Collection method: curation. Allele origin: germline.
Comment: Class 1 not pathogenic based on frequency >1% in an outbred sampleset. Frequency 0.01423 (African), derived from 1000 genomes (2012-04-30).